The following is an entry in ClinVar:

ClinVar aggregate classification (germline): Uncertain significance (1 of 4 stars; one submission).

Submission:

GeneDx
Classification: Uncertain significance. Last evaluated: 2024-03-31. Review status: criteria provided, single submitter. Criteria: GeneDx Variant Classification Process June 2021. Collection method: clinical testing. Allele origin: germline. Affected: yes.
Comment: Not observed at significant frequency in large population cohorts (gnomAD); In silico analysis supports that this missense variant does not alter protein structure/function; Has not been previously published as pathogenic or benign to our knowledge

NM_001009944.3(PKD1):c.3361A>G (p.Ser1121Gly)

Gene: PKD1 (polycystin 1, transient receptor potential channel interacting; minus strand). Cytogenetic location: 16p13.3.
Variant type: single nucleotide variant.
Coding change: c.3361A>G on transcript NM_001009944.3 (MANE Select); coding-DNA position 3361, A replaced by G.
Protein change: p.Ser1121Gly; replaces serine 1121 with glycine.
Molecular consequence: missense variant.
Genome position (GRCh38, 1-based): chr16:2,111,806, T>C on the plus strand (A>G on the coding strand, the complement: PKD1 is on the minus strand). VCF-style: chr16-2111806-T-C. GRCh37 (hg19) VCF-style: chr16-2161807-T-C.
Other names: c.3361A>G, p.Ser1121Gly (NM_000296.4); short protein forms S1121G.
Identifiers: ClinVar variation 3371717 (VCV003371717.1).